The following is an entry in ClinVar:

NM_000548.5(TSC2):c.3124C>A (p.Pro1042Thr)

Gene: TSC2 (TSC complex subunit 2; plus strand). Cytogenetic location: 16p13.3.
Variant type: single nucleotide variant.
Coding change: c.3124C>A on transcript NM_000548.5 (MANE Select); coding-DNA position 3124, C replaced by A.
Protein change: p.Pro1042Thr; replaces proline 1042 with threonine.
Molecular consequence: missense variant.
Genome position (GRCh38, 1-based): chr16:2,079,189, C>A. VCF-style: chr16-2079189-C-A. GRCh37 (hg19) VCF-style: chr16-2129190-C-A.
Other names: c.2992C>A, p.Pro998Thr (NM_001077183.3, NM_001370404.1, NM_001406665.1); c.3124C>A, p.Pro1042Thr (NM_001114382.3); c.2884C>A, p.Pro962Thr (NM_001318827.2); c.2848C>A, p.Pro950Thr (NM_001318829.2); c.2392C>A, p.Pro798Thr (NM_001318831.2, NM_001406687.1, NM_001406688.1); c.3025C>A, p.Pro1009Thr (NM_001318832.2); c.2995C>A, p.Pro999Thr (NM_001363528.2, NM_001370405.1, NM_021055.3); c.3121C>A, p.Pro1041Thr (NM_001406663.1, NM_001406664.1); and 18 more; short protein forms P1005T, P1009T, P1028T, P1029T, P1041T, P1042T, P464T, P550T.
Identifiers: ClinVar variation 1809738 (VCV001809738.1), dbSNP rs2151434980, ClinGen allele CA394284955.
Genomic context (GRCh38, chr16:2,079,189, plus strand): 5'-CTCACGGAAACCTGTCTGGACATGATGGCTCGATACGTCTTCTCCAACTTCACGGCTGTC[C>A]CGAAGAGGTCCAGGCGGCACTACAGGGCTGGGCGGGCCTGCGGGAGCTCCACGGGCAAGC-3'
Protein context (NP_000539.2, residues 1032-1052): RYVFSNFTAV[Pro1042Thr]KRSPVGEFLL

ClinVar aggregate classification (germline): Uncertain significance (1 of 4 stars; one submission).

Submission:

Athena Diagnostics
Classification: Uncertain significance. Last evaluated: 2021-08-24. Review status: criteria provided, single submitter. Criteria: Athena Diagnostics Criteria. Collection method: clinical testing. Allele origin: unknown.
Comment: This observation is not an independent occurrence and has been identified in the same individual by RCIGM, the other laboratory participating in the GEMINI study.